The following is an entry in ClinVar:

ClinVar aggregate classification (germline): Uncertain significance (1 of 4 stars; one submission).

Conditions:
Baller-Gerold syndrome (BGS). Also called: CRANIOSYNOSTOSIS WITH RADIAL DEFECTS. Identifiers: Orphanet 1225, MedGen C0265308, MONDO:0009039, OMIM 218600.

Submission:

Labcorp Genetics (formerly Invitae), Labcorp
Classification: Uncertain significance for Baller-Gerold syndrome. Last evaluated: 2022-05-03. Review status: criteria provided, single submitter. Criteria: Invitae Variant Classification Sherloc (09022015). Collection method: clinical testing. Allele origin: germline.
Comment: Experimental studies and prediction algorithms are not available or were not evaluated, and the functional significance of this variant is currently unknown. This sequence change replaces leucine, which is neutral and non-polar, with proline, which is neutral and non-polar, at codon 1043 of the RECQL4 protein (p.Leu1043Pro). This variant is not present in population databases (gnomAD no frequency). This variant has not been reported in the literature in individuals affected with RECQL4-related conditions. In summary, the available evidence is currently insufficient to determine the role of this variant in disease. Therefore, it has been classified as a Variant of Uncertain Significance.

NM_004260.4(RECQL4):c.3127_3128delinsCC (p.Leu1043Pro)

Gene: RECQL4 (RecQ like helicase 4; minus strand). Cytogenetic location: 8q24.3.
Variant type: Indel.
Coding change: c.3127_3128delinsCC on transcript NM_004260.4 (MANE Select); coding-DNA positions 3127 to 3128, TT replaced by CC.
Protein change: p.Leu1043Pro; replaces leucine 1043 with proline.
Molecular consequence: missense variant.
Genome position (GRCh38, 1-based): chr8:144,512,252-144,512,253, AA replaced by GG on the plus strand (TT replaced by CC on the coding strand, the reverse complement: RECQL4 is on the minus strand). VCF-style: chr8-144512252-AA-GG. GRCh37 (hg19) VCF-style: chr8-145737635-AA-GG.
Other names: c.2833_2834delTTinsCC, p.Leu945Pro (NM_001413017.1); c.2929_2930delTTinsCC, p.Leu977Pro (NM_001413018.1); c.3202_3203delTTinsCC, p.Leu1068Pro (NM_001413019.1); c.3031_3032delTTinsCC, p.Leu1011Pro (NM_001413020.1); c.2056_2057delTTinsCC, p.Leu686Pro (NM_001413021.1, NM_001413022.1, NM_001413024.1 and 4 more transcripts); c.2131_2132delTTinsCC, p.Leu711Pro (NM_001413023.1); c.2998_2999delTTinsCC, p.Leu1000Pro (NM_001413025.1); c.1990_1991delTTinsCC, p.Leu664Pro (NM_001413027.1, NM_001413030.1, NM_001413032.1); and 9 more; short protein forms L1011P, L1033P, L1068P, L642P, L664P, L686P, L945P, L977P.
Identifiers: ClinVar variation 2154519 (VCV002154519.4), dbSNP rs2130659424, ClinGen allele CA2580078807.